The following is an entry in ClinVar:

ClinVar aggregate classification (germline): Benign/Likely benign. Review status: criteria provided, multiple submitters, no conflicts (2 of 4 stars). 4 submissions from 4 submitters: Benign (2); Likely benign (2). Last evaluated 2026-08-01.

Allele frequency attached by ClinVar (database versions not stated): 1000 Genomes Project 30x 0.00187; 1000 Genomes Project 0.00260; ESP Exome Variant Server 0.00369; TOPMed 0.00393.
gnomAD v4.1: 8,819 of 1,572,302 alleles (0.56%); highest among the groups gnomAD compares: Non-Finnish European, 0.7%; 43 homozygotes.

Submissions (4):

CeGaT Center for Human Genetics Tuebingen
Classification: Likely benign. Last evaluated: 2026-08-01. Review status: criteria provided, single submitter. Criteria: CeGaT Center For Human Genetics Tuebingen Variant Classification Criteria Version 2. Collection method: clinical testing. Allele origin: germline. Affected: yes. Observed: 22 variant alleles.
Comment: SCYL1: BS2

Labcorp Genetics (formerly Invitae), Labcorp
Classification: Benign. Last evaluated: 2026-01-28. Review status: criteria provided, single submitter. Criteria: Invitae Variant Classification Sherloc (09022015). Collection method: clinical testing. Allele origin: germline.

Mayo Clinic Laboratories, Mayo Clinic
Classification: Benign. Last evaluated: 2023-11-15. Review status: criteria provided, single submitter. Criteria: ACMG Guidelines, 2015. Collection method: clinical testing. Allele origin: germline. Observed: 8 variant alleles.
Comment: BS1, BS2, BP4

Breakthrough Genomics
Classification: Likely benign. Review status: criteria provided, single submitter. Criteria: ACMG Guidelines, 2015. Collection method: not provided. Allele origin: germline. Inheritance: Autosomal recessive inheritance. Affected: yes.

NM_020680.4(SCYL1):c.1989G>T (p.Gln663His)

Gene: SCYL1 (SCY1 like pseudokinase 1; plus strand). Cytogenetic location: 11q13.1.
Variant type: single nucleotide variant.
Coding change: c.1989G>T on transcript NM_020680.4 (MANE Select); coding-DNA position 1989, G replaced by T.
Protein change: p.Gln663His; replaces glutamine 663 with histidine.
Molecular consequence: missense variant.
Genome position (GRCh38, 1-based): chr11:65,537,838, G>T. VCF-style: chr11-65537838-G-T. GRCh37 (hg19) VCF-style: chr11-65305309-G-T.
Other names: p.Gln663His; c.1938G>T, p.Gln646His (NM_001048218.2); short protein forms Q663H, Q646H.
Identifiers: ClinVar variation 708799 (VCV000708799.49), dbSNP rs56076708, ClinGen allele CA6099997.